The following is an entry in ClinVar:

ClinVar aggregate classification (germline): Likely benign (1 of 4 stars; one submission).

Allele frequency attached by ClinVar (database versions not stated): gnomAD exomes 0.00020; gnomAD 0.00021; TOPMed 0.00024.
gnomAD v4.1: 251 of 1,148,313 alleles (0.022%); highest among the groups gnomAD compares: Middle Eastern, 0.026%; 1 homozygote.

Submission:

CeGaT Center for Human Genetics Tuebingen
Classification: Likely benign. Last evaluated: 2023-02-01. Review status: criteria provided, single submitter. Criteria: CeGaT Center For Human Genetics Tuebingen Variant Classification Criteria Version 2. Collection method: clinical testing. Allele origin: germline. Affected: yes. Observed: 1 variant allele.
Comment: LOC101059915: BS2

NM_001323075.3(CXorf49C):c.703G>A (p.Gly235Arg)

Gene: CXorf49C (chromosome X open reading frame 49C; plus strand). Cytogenetic location: Xq13.1.
Variant type: single nucleotide variant.
Coding change: c.703G>A on transcript NM_001323075.3 (MANE Select); coding-DNA position 703, G replaced by A.
Protein change: p.Gly235Arg; replaces glycine 235 with arginine.
Molecular consequence: missense variant.
Genome position (GRCh38, 1-based): chrX:71,668,506, G>A. VCF-style: chrX-71668506-G-A. GRCh37 (hg19) VCF-style: chrX-70888356-G-A.
Other names: short protein forms G235R.
Identifiers: ClinVar variation 2660893 (VCV002660893.24), dbSNP rs769594983, ClinGen allele CA331124990.